The following is an entry in ClinVar:

NM_144687.4(NLRP12):c.802A>G (p.Ile268Val)

Gene: NLRP12 (NLR family pyrin domain containing 12; minus strand). Cytogenetic location: 19q13.42.
Variant type: single nucleotide variant.
Coding change: c.802A>G on transcript NM_144687.4 (MANE Select); coding-DNA position 802, A replaced by G.
Protein change: p.Ile268Val; replaces isoleucine 268 with valine.
Molecular consequence: missense variant.
Genome position (GRCh38, 1-based): chr19:53,810,857, T>C on the plus strand (A>G on the coding strand, the complement: NLRP12 is on the minus strand). VCF-style: chr19-53810857-T-C. GRCh37 (hg19) VCF-style: chr19-54314111-T-C.
Other names: c.802A>G (NM_144687.2); c.802A>G, p.Ile268Val (NM_001277126.2, NM_001277129.1); short protein forms I268V.
Identifiers: ClinVar variation 951215 (VCV000951215.10), dbSNP rs2092060114, ClinGen allele CA407415765.

ClinVar aggregate classification (germline): Uncertain significance. Review status: criteria provided, multiple submitters, no conflicts (2 of 4 stars). 2 submissions from 2 submitters: Uncertain significance (2). Last evaluated 2025-05-12.

Conditions:
Familial cold autoinflammatory syndrome 2 (FCAS2). Identifiers: Orphanet 247868, MedGen C2673198, MONDO:0012724, OMIM 611762.

gnomAD v4.1: 1 of 1,614,070 alleles (0.000062%); highest among the groups gnomAD compares: Non-Finnish European, 0.000085%; no homozygotes.

Submissions (2):

Labcorp Genetics (formerly Invitae), Labcorp
Classification: Uncertain significance for Familial cold autoinflammatory syndrome 2. Last evaluated: 2025-05-12. Review status: criteria provided, single submitter. Criteria: Invitae Variant Classification Sherloc (09022015). Collection method: clinical testing. Allele origin: germline.
Comment: This sequence change replaces isoleucine, which is neutral and non-polar, with valine, which is neutral and non-polar, at codon 268 of the NLRP12 protein (p.Ile268Val). This variant is not present in population databases (gnomAD no frequency). This variant has not been reported in the literature in individuals affected with NLRP12-related conditions. ClinVar contains an entry for this variant (Variation ID: 951215). Invitae Evidence Modeling of protein sequence and biophysical properties (such as structural, functional, and spatial information, amino acid conservation, physicochemical variation, residue mobility, and thermodynamic stability) indicates that this missense variant is not expected to disrupt NLRP12 protein function with a negative predictive value of 80%. In summary, the available evidence is currently insufficient to determine the role of this variant in disease. Therefore, it has been classified as a Variant of Uncertain Significance.

GeneDx
Classification: Uncertain significance. Last evaluated: 2024-07-03. Review status: criteria provided, single submitter. Criteria: GeneDx Variant Classification Process June 2021. Collection method: clinical testing. Allele origin: germline. Affected: yes.
Comment: Not observed at significant frequency in large population cohorts (gnomAD); In silico analysis indicates that this missense variant does not alter protein structure/function; Has not been previously published as pathogenic or benign to our knowledge